The following is an entry in ClinVar:

NM_005359.6(SMAD4):c.479A>G (p.Asp160Gly)

Gene: SMAD4 (SMAD family member 4; plus strand). Cytogenetic location: 18q21.2.
Variant type: single nucleotide variant.
Coding change: c.479A>G on transcript NM_005359.6 (MANE Select); coding-DNA position 479, A replaced by G.
Protein change: p.Asp160Gly; replaces aspartic acid 160 with glycine.
Molecular consequence: missense variant.
Genome position (GRCh38, 1-based): chr18:51,054,805, A>G. VCF-style: chr18-51054805-A-G. GRCh37 (hg19) VCF-style: chr18-48581175-A-G.
Other names: short protein forms D160G.
Identifiers: ClinVar variation 460555 (VCV000460555.57), dbSNP rs1555685629, ClinGen allele CA402460631.

ClinVar aggregate classification (germline): Conflicting classifications of pathogenicity. Review status: criteria provided, conflicting classifications (1 of 4 stars). 6 submissions from 6 submitters: Uncertain significance (5); Likely benign (1). Last evaluated 2025-11-10.

Conditions:
Juvenile polyposis/hereditary hemorrhagic telangiectasia syndrome (JPHT). Also called: Juvenile Polyposis Syndrome / Hereditary Hemorrhagic Telangiectasia (JPS/HHT); JP/HHT SYNDROME; JUVENILE POLYPOSIS WITH HEREDITARY HEMORRHAGIC TELANGIECTASIA; POLYPOSIS, GENERALIZED JUVENILE, WITH PULMONARY ARTERIOVENOUS MALFORMATION; TELANGIECTASIA, HEREDITARY HEMORRHAGIC, WITH JUVENILE POLYPOSIS COLI. Identifiers: Orphanet 2929, MedGen C1832942, MONDO:0008278, OMIM 175050.
Hereditary cancer-predisposing syndrome. Also called: Hereditary neoplastic syndrome; Neoplastic Syndromes, Hereditary; Hereditary Cancer Syndrome; Tumor predisposition. Identifiers: Orphanet 140162, MedGen C0027672, MeSH D009386, MONDO:0015356.
Familial thoracic aortic aneurysm and aortic dissection (TAAD). Also called: Thoracic aortic aneurysms and dissections. Identifiers: Orphanet 91387, MedGen C4707243, MONDO:0019625.
Juvenile polyposis syndrome (JPS). Identifiers: Orphanet 2929, MedGen C0345893, MONDO:0017380, OMIM 174900.

Allele frequency attached by ClinVar (database versions not stated): gnomAD exomes below 0.00001; TOPMed 0.00001.
gnomAD v4.1: 1 of 1,613,308 alleles (0.000062%); highest among the groups gnomAD compares: Non-Finnish European, 0.000085%; no homozygotes.

Submissions (6):

Color Diagnostics, LLC DBA Color Health
Classification: Uncertain significance for Hereditary cancer-predisposing syndrome. Last evaluated: 2025-11-10. Review status: criteria provided, single submitter. Criteria: ACMG Guidelines, 2015. Collection method: clinical testing. Allele origin: germline.
Comment: This missense variant replaces aspartic acid with glycine at codon 160 of the SMAD4 protein. Computational prediction suggests that this variant may have deleterious impact on protein structure and function. To our knowledge, functional studies have not been reported for this variant. This variant has not been reported in individuals affected with juvenile polyposis syndrome (JPS) in the literature. This variant has not been identified in the general population by the Genome Aggregation Database (gnomAD). The available evidence is insufficient to determine the role of this variant in disease conclusively. Therefore, this variant is classified as a Variant of Uncertain Significance.

Labcorp Genetics (formerly Invitae), Labcorp
Classification: Uncertain significance for Juvenile polyposis syndrome. Last evaluated: 2025-09-15. Review status: criteria provided, single submitter. Criteria: Invitae Variant Classification Sherloc (09022015). Collection method: clinical testing. Allele origin: germline.
Comment: This sequence change replaces aspartic acid, which is acidic and polar, with glycine, which is neutral and non-polar, at codon 160 of the SMAD4 protein (p.Asp160Gly). This variant is not present in population databases (gnomAD no frequency). This variant has not been reported in the literature in individuals affected with SMAD4-related conditions. ClinVar contains an entry for this variant (Variation ID: 460555). Invitae Evidence Modeling of protein sequence and biophysical properties (such as structural, functional, and spatial information, amino acid conservation, physicochemical variation, residue mobility, and thermodynamic stability) has been performed for this missense variant. However, the output from this modeling did not meet the statistical confidence thresholds required to predict the impact of this variant on SMAD4 protein function. In summary, the available evidence is currently insufficient to determine the role of this variant in disease. Therefore, it has been classified as a Variant of Uncertain Significance.

Ambry Genetics
Classification: Uncertain significance for Hereditary cancer-predisposing syndrome; Familial thoracic aortic aneurysm and aortic dissection. Last evaluated: 2023-02-23. Review status: criteria provided, single submitter. Criteria: Ambry Variant Classification Scheme 2023. Collection method: clinical testing. Allele origin: germline.
Comment: The p.D160G variant (also known as c.479A>G), located in coding exon 4 of the SMAD4 gene, results from an A to G substitution at nucleotide position 479. The aspartic acid at codon 160 is replaced by glycine, an amino acid with similar properties. This amino acid position is highly conserved in available vertebrate species. In addition, this alteration is predicted to be deleterious by in silico analysis. Since supporting evidence is limited at this time, the clinical significance of this alteration remains unclear.

All of Us Research Program, National Institutes of Health
Classification: Uncertain significance for Juvenile polyposis/hereditary hemorrhagic telangiectasia syndrome. Last evaluated: 2023-02-15. Review status: criteria provided, single submitter. Criteria: ACMG Guidelines, 2015. Collection method: clinical testing. Allele origin: germline. Inheritance: Autosomal dominant inheritance. Observed: 1 variant allele, 1 heterozygote.
Comment: This missense variant replaces aspartic acid with glycine at codon 160 of the SMAD4 protein. Computational prediction suggests that this variant may have deleterious impact on protein structure and function (internally defined REVEL score threshold >= 0.7, PMID: 27666373). To our knowledge, functional studies have not been reported for this variant. This variant has not been reported in individuals affected with juvenile polyposis syndrome (JPS) in the literature. This variant has not been identified in the general population by the Genome Aggregation Database (gnomAD). The available evidence is insufficient to determine the role of this variant in disease conclusively. Therefore, this variant is classified as a Variant of Uncertain Significance.

This study involves interpretation of variants in research participants for the purpose of population health screening. Participant phenotype was not available at the time of variant classification. Additional details can be found in publication PMID: 35346344, PMCID: PMC8962531

Institute for Clinical Genetics, University Hospital TU Dresden, University Hospital TU Dresden
Classification: Uncertain significance. Last evaluated: 2021-11-03. Review status: criteria provided, single submitter. Criteria: ACMG Guidelines, 2015. Collection method: clinical testing. Allele origin: germline.

CeGaT Center for Human Genetics Tuebingen
Classification: Likely benign. Last evaluated: 2018-12-01. Review status: criteria provided, single submitter. Criteria: CeGaT Center For Human Genetics Tuebingen Variant Classification Criteria Version 2. Collection method: clinical testing. Allele origin: germline. Affected: yes. Observed: 3 variant alleles.